The following is an entry in ClinVar:

NM_000722.4(CACNA2D1):c.2721A>G (p.Ala907=)

Gene: CACNA2D1 (calcium voltage-gated channel auxiliary subunit alpha2delta 1; minus strand). Cytogenetic location: 7q21.11.
Variant type: single nucleotide variant.
Coding change: c.2721A>G on transcript NM_000722.4 (MANE Select); coding-DNA position 2721, A replaced by G.
Protein change: p.Ala907=; no amino-acid change (alanine 907 retained).
Molecular consequence: synonymous variant.
Genome position (GRCh38, 1-based): chr7:81,964,213, T>C on the plus strand (A>G on the coding strand, the complement: CACNA2D1 is on the minus strand). VCF-style: chr7-81964213-T-C. GRCh37 (hg19) VCF-style: chr7-81593529-T-C.
Other names: c.2757A>G, p.Ala919= (NM_001366867.1); c.2721A>G (NM_000722.2).
Identifiers: ClinVar variation 637981 (VCV000637981.7), dbSNP rs758369222, ClinGen allele CA4317545.

ClinVar aggregate classification (germline): Uncertain significance. Review status: criteria provided, multiple submitters, no conflicts (2 of 4 stars). 3 submissions from 3 submitters: Uncertain significance (3). Last evaluated 2026-07-10.

Conditions:
Brugada syndrome. Also called: Sudden unexpected nocturnal death syndrome; Sudden Unexplained Death Syndrome; Sudden Unexplained Nocturnal Death Syndrome (SUNDS); Sudden unexplained nocturnal death syndrome. Identifiers: Orphanet 130, MedGen C1142166, MONDO:0015263.
Cardiovascular phenotype. Identifiers: MedGen CN230736.
Short QT syndrome. Also called: Familial short QT syndrome. Identifiers: Orphanet 51083, MedGen C2348199, MONDO:0000453.

Allele frequency attached by ClinVar (database versions not stated): TOPMed 0.00001.
gnomAD v4.1: 13 of 1,612,734 alleles (0.00081%); highest among the groups gnomAD compares: Admixed American, 0.015%; no homozygotes.

Submissions (3):

Ambry Genetics
Classification: Uncertain significance for Cardiovascular phenotype. Last evaluated: 2026-07-10. Review status: criteria provided, single submitter. Criteria: Ambry Variant Classification Scheme 2023. Collection method: clinical testing. Allele origin: germline.
Comment: The c.2721A>G variant (also known as p.A907A), located in coding exon 33 of the CACNA2D1 gene, results from an A to G substitution at nucleotide position 2721. This nucleotide substitution does not change the amino acid at codon 907. This nucleotide position is not well conserved in available vertebrate species. In silico splice site analysis predicts that this alteration will result in the creation or strengthening of a novel splice donor site. The evidence for this gene-disease relationship is limited; therefore, the clinical significance of this variant is unclear.

Labcorp Genetics (formerly Invitae), Labcorp
Classification: Uncertain significance for Brugada syndrome. Last evaluated: 2022-04-22. Review status: criteria provided, single submitter. Criteria: Invitae Variant Classification Sherloc (09022015). Collection method: clinical testing. Allele origin: germline.
Comment: In summary, the available evidence is currently insufficient to determine the role of this variant in disease. Therefore, it has been classified as a Variant of Uncertain Significance. Algorithms developed to predict the effect of sequence changes on RNA splicing suggest that this variant may create or strengthen a splice site. ClinVar contains an entry for this variant (Variation ID: 637981). This variant has not been reported in the literature in individuals affected with CACNA2D1-related conditions. This variant is present in population databases (rs758369222, gnomAD 0.01%). This sequence change affects codon 907 of the CACNA2D1 mRNA. It is a 'silent' change, meaning that it does not change the encoded amino acid sequence of the CACNA2D1 protein.

MVZ Martinsried, Medicover Genetics
Classification: Uncertain significance for short QT syndrome. Last evaluated: 2018-12-17. Review status: criteria provided, single submitter. Criteria: ACMG Guidelines, 2015. Collection method: clinical testing. Allele origin: unknown. Affected: yes.